The following is an entry in ClinVar:

ClinVar aggregate classification (germline): Uncertain significance (1 of 4 stars; one submission).

Conditions:
Cornelia de Lange syndrome 1 (CDLS1). Also called: TYPUS DEGENERATIVUS AMSTELODAMENSIS; Brachmann de Lange syndrome; NIPBL-Related Cornelia de Lange Syndrome. Identifiers: Orphanet 199, MedGen C4551851, MONDO:0007387, OMIM 122470.

Allele frequency attached by ClinVar (database versions not stated): gnomAD exomes below 0.00001; TOPMed below 0.00001.
gnomAD v4.1: 1 of 1,613,846 alleles (0.000062%); highest among the groups gnomAD compares: Non-Finnish European, 0.000085%; no homozygotes.

Submission:

Labcorp Genetics (formerly Invitae), Labcorp
Classification: Uncertain significance for Cornelia de Lange syndrome 1. Last evaluated: 2023-12-06. Review status: criteria provided, single submitter. Criteria: Invitae Variant Classification Sherloc (09022015). Collection method: clinical testing. Allele origin: germline.
Comment: This sequence change replaces valine, which is neutral and non-polar, with alanine, which is neutral and non-polar, at codon 992 of the NIPBL protein (p.Val992Ala). This variant is not present in population databases (gnomAD no frequency). This variant has not been reported in the literature in individuals affected with NIPBL-related conditions. Advanced modeling of protein sequence and biophysical properties (such as structural, functional, and spatial information, amino acid conservation, physicochemical variation, residue mobility, and thermodynamic stability) performed at Invitae indicates that this missense variant is not expected to disrupt NIPBL protein function with a negative predictive value of 95%. In summary, the available evidence is currently insufficient to determine the role of this variant in disease. Therefore, it has been classified as a Variant of Uncertain Significance.

NM_133433.4(NIPBL):c.2975T>C (p.Val992Ala)

Gene: NIPBL (NIPBL cohesin loading factor; plus strand). Cytogenetic location: 5p13.2.
Variant type: single nucleotide variant.
Coding change: c.2975T>C on transcript NM_133433.4 (MANE Select); coding-DNA position 2975, T replaced by C.
Protein change: p.Val992Ala; replaces valine 992 with alanine.
Molecular consequence: missense variant.
Genome position (GRCh38, 1-based): chr5:36,986,155, T>C. VCF-style: chr5-36986155-T-C. GRCh37 (hg19) VCF-style: chr5-36986257-T-C.
Other names: c.2975T>C, p.Val992Ala (NM_015384.5); short protein forms V992A.
Identifiers: ClinVar variation 2851566 (VCV002851566.3), dbSNP rs1744773360, ClinGen allele CA359507486.
Genomic context (GRCh38, chr5:36,986,155, plus strand): 5'-AGACAAAGAAAATGGAAATGAAAGGAGAGCCGAAAGACAAAGTAGAAAAAATAGGATTAG[T>C]TGAAGATCTAAATAAAGGAGCTAAGCCTGTAGTTGTGCTACAAAAACTGTCTTTGGATGA-3'
Protein context (NP_597677.2, residues 982-1002): PKDKVEKIGL[Val992Ala]EDLNKGAKPV